The following is an entry in ClinVar:

ClinVar aggregate classification (germline): Conflicting classifications of pathogenicity. Review status: criteria provided, conflicting classifications (1 of 4 stars). 4 submissions from 4 submitters: Uncertain significance (3); Benign (1). Last evaluated 2025-09-09.

Conditions:
Cardiovascular phenotype. Identifiers: MedGen CN230736.
Sick sinus syndrome 2, autosomal dominant (SSS2). Also called: ATRIAL FIBRILLATION WITH BRADYARRHYTHMIA; SINUS BRADYCARDIA SYNDROME, FAMILIAL, AUTOSOMAL DOMINANT; SINUS NODE DISEASE, FAMILIAL, AUTOSOMAL DOMINANT; SICK SINUS SYNDROME 2; SICK SINUS SYNDROME 2 WITH OR WITHOUT CARDIAC NONCOMPACTION AND/OR ASCENDING AORTA DILATION. Identifiers: Orphanet 166282, MedGen C1834144, MONDO:0008102, OMIM 163800.
Brugada syndrome 8 (BRGDA8). Identifiers: Orphanet 130, MedGen C2751083, MONDO:0013148, OMIM 613123.

Allele frequency attached by ClinVar (database versions not stated): gnomAD exomes 0.00001 and 0.00002; ExAC 0.00003; gnomAD 0.00003 and 0.00004; TOPMed 0.00006.
gnomAD v4.1: 36 of 1,574,306 alleles (0.0023%); highest among the groups gnomAD compares: African/African-American, 0.0095%; no homozygotes.

Submissions (4):

Labcorp Genetics (formerly Invitae), Labcorp
Classification: Uncertain significance for Brugada syndrome 8. Last evaluated: 2025-09-09. Review status: criteria provided, single submitter. Criteria: Invitae Variant Classification Sherloc (09022015). Collection method: clinical testing. Allele origin: germline.
Comment: This sequence change replaces glycine, which is neutral and non-polar, with arginine, which is basic and polar, at codon 980 of the HCN4 protein (p.Gly980Arg). The frequency data for this variant in the population databases is considered unreliable, as metrics indicate poor data quality at this position in the gnomAD database. This variant has not been reported in the literature in individuals affected with HCN4-related conditions. ClinVar contains an entry for this variant (Variation ID: 240167). Invitae Evidence Modeling of protein sequence and biophysical properties (such as structural, functional, and spatial information, amino acid conservation, physicochemical variation, residue mobility, and thermodynamic stability) has been performed for this missense variant. However, the output from this modeling did not meet the statistical confidence thresholds required to predict the impact of this variant on HCN4 protein function. In summary, the available evidence is currently insufficient to determine the role of this variant in disease. Therefore, it has been classified as a Variant of Uncertain Significance.

Ambry Genetics
Classification: Uncertain significance for Cardiovascular phenotype. Last evaluated: 2025-04-23. Review status: criteria provided, single submitter. Criteria: Ambry Variant Classification Scheme 2023. Collection method: clinical testing. Allele origin: germline.
Comment: The p.G980R variant (also known as c.2938G>A), located in coding exon 8 of the HCN4 gene, results from a G to A substitution at nucleotide position 2938. The glycine at codon 980 is replaced by arginine, an amino acid with dissimilar properties. This variant was reported in a sudden unexplained death case and a case referred for Brugada syndrome genetic testing; however, clinical details were limited and additional variants in other cardiac-related genes were also detected (Sanchez O et al. PLoS ONE, 2016 Dec;11:e0167358). This amino acid position is well conserved in available vertebrate species. In addition, the in silico prediction for this alteration is inconclusive. Since supporting evidence is limited at this time, the clinical significance of this alteration remains unclear.

GeneDx
Classification: Uncertain significance. Last evaluated: 2025-03-10. Review status: criteria provided, single submitter. Criteria: GeneDx Variant Classification Process June 2021. Collection method: clinical testing. Allele origin: germline. Affected: yes.
Comment: Not observed at significant frequency in large population cohorts (gnomAD); In silico analysis indicates that this missense variant does not alter protein structure/function; Has not been previously published as pathogenic or benign to our knowledge

Illumina Laboratory Services, Illumina
Classification: Benign for Sick sinus syndrome 2, autosomal dominant. Last evaluated: 2018-01-12. Review status: criteria provided, single submitter. Criteria: ICSL Variant Classification Criteria 13 December 2019. Collection method: clinical testing. Allele origin: germline.
Comment: This variant was observed in the ICSL laboratory as part of a predisposition screen in an ostensibly healthy population. It had not been previously curated by ICSL or reported in the Human Gene Mutation Database (HGMD: prior to June 1st, 2018), and was therefore a candidate for classification through an automated scoring system. Utilizing variant allele frequency, disease prevalence and penetrance estimates, and inheritance mode, an automated score was calculated to assess if this variant is too frequent to cause the disease. Based on the score and internal cut-off values, a variant classified as benign is not then subjected to further curation. The score for this variant resulted in a classification of benign for this disease.

Literature cited by the submitters: PubMed 27930701 (cited by Ambry Genetics); PubMed 30847666 (cited by Ambry Genetics).

NM_005477.3(HCN4):c.2938G>A (p.Gly980Arg)

Gene: HCN4 (hyperpolarization activated cyclic nucleotide gated potassium channel 4; minus strand). Cytogenetic location: 15q24.1.
Variant type: single nucleotide variant.
Coding change: c.2938G>A on transcript NM_005477.3 (MANE Select); coding-DNA position 2938, G replaced by A.
Protein change: p.Gly980Arg; replaces glycine 980 with arginine.
Molecular consequence: missense variant.
Genome position (GRCh38, 1-based): chr15:73,323,155, C>T on the plus strand (G>A on the coding strand, the complement: HCN4 is on the minus strand). VCF-style: chr15-73323155-C-T. GRCh37 (hg19) VCF-style: chr15-73615496-C-T.
Other names: short protein forms G980R.
Identifiers: ClinVar variation 240167 (VCV000240167.15), dbSNP rs780719805, ClinGen allele CA7648919.